The following is an entry in ClinVar:

NM_007294.4(BRCA1):c.4533C>A (p.His1511Gln)

Gene: BRCA1 (BRCA1 DNA repair associated; minus strand). Cytogenetic location: 17q21.31.
Variant type: single nucleotide variant.
Coding change: c.4533C>A on transcript NM_007294.4 (MANE Select); coding-DNA position 4533, C replaced by A.
Protein change: p.His1511Gln; replaces histidine 1511 with glutamine.
Molecular consequence: missense variant. On other transcripts: non-coding transcript variant (1).
Genome position (GRCh38, 1-based): chr17:43,074,473, G>T on the plus strand (C>A on the coding strand, the complement: BRCA1 is on the minus strand). VCF-style: chr17-43074473-G-T. GRCh37 (hg19) VCF-style: chr17-41226490-G-T.
Other names: c.1011C>A, p.His337Gln (NM_001408491.1, NM_001408481.1, NM_001408482.1 and 5 more transcripts); c.984C>A, p.His328Gln (NM_001408494.1); c.978C>A, p.His326Gln (NM_001408495.1); c.960C>A, p.His320Gln (NM_001408496.1, NM_001408499.1, NM_001408497.1 and 3 more transcripts); c.1008C>A, p.His336Gln (NM_001408492.1, NM_001408493.1); c.4392C>A, p.His1464Gln (NM_001407694.1, NM_001407695.1, NM_001407692.1 and 13 more transcripts); c.4401C>A, p.His1467Gln (NM_001407690.1, NM_001407691.1); c.4404C>A, p.His1468Gln (NM_001407689.1, NM_001407681.1, NM_001407682.1 and 6 more transcripts); and 68 more; short protein forms H1511Q, H1464Q, H1532Q, H407Q, H1342Q, H1384Q, H1398Q, H1422Q.
Identifiers: ClinVar variation 570598 (VCV000570598.11), dbSNP rs1567778195, ClinGen allele CA10592452.
Genomic context (GRCh38, chr17:43,074,473, plus strand): 5'-AACCTTAATGAGCTCCTCTTGAGATGGGTAGTTTCTATTCTGAAGACTCCCAGAGCAACT[G>T]TGCATGTACCACCTATCATCTAATGATGGGCATTTAGAAGGGGATGACCTAGAAAGATAA-3'
Protein context (NP_009225.1, residues 1501-1521): CPSLDDRWYM[His1511Gln]SCSGSLQNRN

ClinVar aggregate classification (germline): Uncertain significance. Review status: criteria provided, multiple submitters, no conflicts (2 of 4 stars). 2 submissions from 2 submitters: Uncertain significance (2). Last evaluated 2022-10-31.

Conditions:
Hereditary cancer-predisposing syndrome. Also called: Hereditary neoplastic syndrome; Tumor predisposition; Neoplastic Syndromes, Hereditary; Hereditary Cancer Syndrome. Identifiers: Orphanet 140162, MedGen C0027672, MeSH D009386, MONDO:0015356.
Hereditary breast ovarian cancer syndrome. Also called: Hereditary breast and ovarian cancer syndrome; Breast and ovarian cancer; Hereditary breast and ovarian cancer; Hereditary breast and/or ovarian cancer syndrome; Hereditary breast and ovarian cancer syndrome (HBOC); BRCA1- and BRCA2-Associated Hereditary Breast and Ovarian Cancer. Identifiers: Orphanet 145, MedGen C0677776, MeSH D061325, MONDO:0003582. Disease mechanism: loss of function.

Submissions (2):

Color Diagnostics, LLC DBA Color Health
Classification: Uncertain significance for Hereditary cancer-predisposing syndrome. Last evaluated: 2022-10-31. Review status: criteria provided, single submitter. Criteria: ACMG Guidelines, 2015. Collection method: clinical testing. Allele origin: germline.
Comment: This missense variant replaces histidine with glutamine at codon 1511 of the BRCA1 protein. Computational prediction is inconclusive regarding the impact of this variant on protein structure and function (internally defined REVEL score threshold 0.5 < inconclusive < 0.7, PMID: 27666373). To our knowledge, functional studies have not been reported for this variant. This variant has not been reported in individuals affected with hereditary cancer in the literature. This variant has not been identified in the general population by the Genome Aggregation Database (gnomAD). The available evidence is insufficient to determine the role of this variant in disease conclusively. Therefore, this variant is classified as a Variant of Uncertain Significance.

Labcorp Genetics (formerly Invitae), Labcorp
Classification: Uncertain significance for Hereditary breast ovarian cancer syndrome. Last evaluated: 2022-01-28. Review status: criteria provided, single submitter. Criteria: Invitae Variant Classification Sherloc (09022015). Collection method: clinical testing. Allele origin: germline.
Comment: This variant is not present in population databases (gnomAD no frequency). This sequence change replaces histidine, which is basic and polar, with glutamine, which is neutral and polar, at codon 1511 of the BRCA1 protein (p.His1511Gln). This variant has not been reported in the literature in individuals affected with BRCA1-related conditions. In summary, the available evidence is currently insufficient to determine the role of this variant in disease. Therefore, it has been classified as a Variant of Uncertain Significance. Advanced modeling of protein sequence and biophysical properties (such as structural, functional, and spatial information, amino acid conservation, physicochemical variation, residue mobility, and thermodynamic stability) performed at Invitae indicates that this missense variant is not expected to disrupt BRCA1 protein function. ClinVar contains an entry for this variant (Variation ID: 570598).